The following is an entry in ClinVar:

NM_004064.5(CDKN1B):c.503A>T (p.Asn168Ile)

Gene: CDKN1B (cyclin dependent kinase inhibitor 1B; plus strand). Cytogenetic location: 12p13.1.
Variant type: single nucleotide variant.
Coding change: c.503A>T on transcript NM_004064.5 (MANE Select); coding-DNA position 503, A replaced by T.
Protein change: p.Asn168Ile; replaces asparagine 168 with isoleucine.
Molecular consequence: missense variant.
Genome position (GRCh38, 1-based): chr12:12,718,852, A>T. VCF-style: chr12-12718852-A-T. GRCh37 (hg19) VCF-style: chr12-12871786-A-T.
Other names: short protein forms N168I.
Identifiers: ClinVar variation 1744934 (VCV001744934.6), dbSNP rs761736796, ClinGen allele CA383972745.

ClinVar aggregate classification (germline): Uncertain significance. Review status: criteria provided, multiple submitters, no conflicts (2 of 4 stars). 2 submissions from 2 submitters: Uncertain significance (2). Last evaluated 2024-11-25.

Conditions:
Multiple endocrine neoplasia type 4. Also called: MULTIPLE ENDOCRINE NEOPLASIA, TYPE IV. Identifiers: Orphanet 276152, MedGen C1970712, MONDO:0012552, OMIM 610755.
Hereditary cancer-predisposing syndrome. Also called: Neoplastic Syndromes, Hereditary; Tumor predisposition; Hereditary Cancer Syndrome; Hereditary neoplastic syndrome. Identifiers: Orphanet 140162, MedGen C0027672, MeSH D009386, MONDO:0015356.

gnomAD v4.1: 3 of 1,614,162 alleles (0.00019%); highest among the groups gnomAD compares: Non-Finnish European, 0.00025%; no homozygotes.

Submissions (2):

Ambry Genetics
Classification: Uncertain significance for Hereditary cancer-predisposing syndrome. Last evaluated: 2024-11-25. Review status: criteria provided, single submitter. Criteria: Ambry Variant Classification Scheme 2023. Collection method: clinical testing. Allele origin: germline.
Comment: The p.N168I variant (also known as c.503A>T), located in coding exon 2 of the CDKN1B gene, results from an A to T substitution at nucleotide position 503. The asparagine at codon 168 is replaced by isoleucine, an amino acid with dissimilar properties. This amino acid position is conserved. In addition, the in silico prediction for this alteration is inconclusive. Since supporting evidence is limited at this time, the clinical significance of this alteration remains unclear.

Labcorp Genetics (formerly Invitae), Labcorp
Classification: Uncertain significance for Multiple endocrine neoplasia type 4. Last evaluated: 2024-03-27. Review status: criteria provided, single submitter. Criteria: Invitae Variant Classification Sherloc (09022015). Collection method: clinical testing. Allele origin: germline.
Comment: This sequence change replaces asparagine, which is neutral and polar, with isoleucine, which is neutral and non-polar, at codon 168 of the CDKN1B protein (p.Asn168Ile). This variant is present in population databases (no rsID available, gnomAD 0.0009%). This variant has not been reported in the literature in individuals affected with CDKN1B-related conditions. ClinVar contains an entry for this variant (Variation ID: 1744934). An algorithm developed to predict the effect of missense changes on protein structure and function (PolyPhen-2) suggests that this variant is likely to be disruptive. In summary, the available evidence is currently insufficient to determine the role of this variant in disease. Therefore, it has been classified as a Variant of Uncertain Significance.